The following is an entry in ClinVar:

ClinVar aggregate classification (germline): Uncertain significance (1 of 4 stars; one submission).

Submission:

Ambry Genetics
Classification: Uncertain significance. Last evaluated: 2025-09-14. Review status: criteria provided, single submitter. Criteria: Ambry Variant Classification Scheme 2023. Collection method: clinical testing. Allele origin: germline.
Comment: The p.D278G variant (also known as c.833A>G), located in coding exon 7 of the RAD51B gene, results from an A to G substitution at nucleotide position 833. The aspartic acid at codon 278 is replaced by glycine, an amino acid with similar properties. This amino acid position is conserved. In addition, this alteration is predicted to be tolerated by in silico analysis. Based on the available evidence, the clinical significance of this variant remains unclear.

NM_133510.4(RAD51B):c.833A>G (p.Asp278Gly)

Gene: RAD51B (RAD51 paralog B; plus strand). Cytogenetic location: 14q24.1.
Variant type: single nucleotide variant.
Coding change: c.833A>G on transcript NM_133510.4 (MANE Select); coding-DNA position 833, A replaced by G.
Protein change: p.Asp278Gly; replaces aspartic acid 278 with glycine.
Molecular consequence: missense variant.
Genome position (GRCh38, 1-based): chr14:68,291,960, A>G. VCF-style: chr14-68291960-A-G. GRCh37 (hg19) VCF-style: chr14-68758677-A-G.
Other names: c.833A>G, p.Asp278Gly (NM_001321809.2, NM_001321810.2, NM_001321812.1 and 6 more transcripts); c.719A>G, p.Asp240Gly (NM_001321815.1); c.476A>G, p.Asp159Gly (NM_001321817.2); short protein forms D240G, D159G, D278G.
Identifiers: ClinVar variation 4149872 (VCV004149872.1).
Genomic context (GRCh38, chr14:68,291,960, plus strand): 5'-AGATTACAACCCATCTGAGTGGAGCCCTGGCTTCTCAGGCAGACCTGGTGTCTCCAGCTG[A>G]TGATTTGTCCCTGTCTGAAGGTAAGGAATCTGTCCTGGAGAGGCTGAAACTTGACACTGA-3'
Protein context (NP_598194.1, residues 268-288): ASQADLVSPA[Asp278Gly]DLSLSEGTSG